The following is an entry in ClinVar:

ClinVar aggregate classification (germline): Uncertain significance (1 of 4 stars; one submission).

Allele frequency attached by ClinVar (database versions not stated): gnomAD exomes below 0.00001.
gnomAD v4.1: 1 of 1,590,710 alleles (0.000063%); no homozygotes.

Submission:

Labcorp Genetics (formerly Invitae), Labcorp
Classification: Uncertain significance. Last evaluated: 2022-08-16. Review status: criteria provided, single submitter. Criteria: Invitae Variant Classification Sherloc (09022015). Collection method: clinical testing. Allele origin: germline.
Comment: ClinVar contains an entry for this variant (Variation ID: 1443172). In summary, the available evidence is currently insufficient to determine the role of this variant in disease. Therefore, it has been classified as a Variant of Uncertain Significance. Algorithms developed to predict the effect of missense changes on protein structure and function are either unavailable or do not agree on the potential impact of this missense change (SIFT: "Deleterious"; PolyPhen-2: "Possibly Damaging"; Align-GVGD: "Class C0"). This variant has not been reported in the literature in individuals affected with CARMIL2-related conditions. This variant is not present in population databases (gnomAD no frequency). This sequence change replaces leucine, which is neutral and non-polar, with phenylalanine, which is neutral and non-polar, at codon 773 of the CARMIL2 protein (p.Leu773Phe).

NM_001013838.3(CARMIL2):c.2317C>T (p.Leu773Phe)

Gene: CARMIL2 (capping protein regulator and myosin 1 linker 2; plus strand). Cytogenetic location: 16q22.1.
Variant type: single nucleotide variant.
Coding change: c.2317C>T on transcript NM_001013838.3 (MANE Select); coding-DNA position 2317, C replaced by T.
Protein change: p.Leu773Phe; replaces leucine 773 with phenylalanine.
Molecular consequence: missense variant.
Genome position (GRCh38, 1-based): chr16:67,651,404, C>T. VCF-style: chr16-67651404-C-T. GRCh37 (hg19) VCF-style: chr16-67685307-C-T.
Other names: c.2209C>T, p.Leu737Phe (NM_001317026.3); short protein forms L737F, L773F.
Identifiers: ClinVar variation 1443172 (VCV001443172.5), dbSNP rs2142933216, ClinGen allele CA396340772.